The following is an entry in ClinVar:

ClinVar aggregate classification (germline): Uncertain significance (1 of 4 stars; one submission).

Allele frequency attached by ClinVar (database versions not stated): gnomAD 0.00001.
gnomAD v4.1: 16 of 1,614,004 alleles (0.00099%); highest among the groups gnomAD compares: Non-Finnish European, 0.0013%; no homozygotes.

Submission:

Labcorp Genetics (formerly Invitae), Labcorp
Classification: Uncertain significance. Last evaluated: 2022-05-04. Review status: criteria provided, single submitter. Criteria: Invitae Variant Classification Sherloc (09022015). Collection method: clinical testing. Allele origin: germline.
Comment: This variant is present in population databases (rs770115617, gnomAD 0.002%). This sequence change replaces glutamine, which is neutral and polar, with arginine, which is basic and polar, at codon 832 of the RUSC2 protein (p.Gln832Arg). This variant has not been reported in the literature in individuals affected with RUSC2-related conditions. In summary, the available evidence is currently insufficient to determine the role of this variant in disease. Therefore, it has been classified as a Variant of Uncertain Significance. Algorithms developed to predict the effect of missense changes on protein structure and function (SIFT, PolyPhen-2, Align-GVGD) all suggest that this variant is likely to be tolerated.

NM_014806.5(RUSC2):c.2495A>G (p.Gln832Arg)

Gene: RUSC2 (RUN and SH3 domain containing 2; plus strand). Cytogenetic location: 9p13.3.
Variant type: single nucleotide variant.
Coding change: c.2495A>G on transcript NM_014806.5 (MANE Select); coding-DNA position 2495, A replaced by G.
Protein change: p.Gln832Arg; replaces glutamine 832 with arginine.
Molecular consequence: missense variant. On other transcripts: 5 prime UTR variant (1), non-coding transcript variant (1).
Genome position (GRCh38, 1-based): chr9:35,555,540, A>G. VCF-style: chr9-35555540-A-G. GRCh37 (hg19) VCF-style: chr9-35555537-A-G.
Other names: c.2495A>G, p.Gln832Arg (NM_001135999.2); c.-140A>G (NM_001330740.2); short protein forms Q832R.
Identifiers: ClinVar variation 1460687 (VCV001460687.8), dbSNP rs770115617, ClinGen allele CA5043876.